The following is an entry in ClinVar:

ClinVar aggregate classification (germline): Uncertain significance (1 of 4 stars; one submission).

gnomAD v4.1: 1 of 1,614,068 alleles (0.000062%); highest among the groups gnomAD compares: African/African-American, 0.0013%; no homozygotes.

Submission:

Women's Health and Genetics/Laboratory Corporation of America, LabCorp
Classification: Uncertain significance. Last evaluated: 2024-06-20. Review status: criteria provided, single submitter. Criteria: LabCorp Variant Classification Summary - May 2015. Collection method: clinical testing. Allele origin: germline.
Comment: Variant summary: ENG c.1082C>T (p.Thr361Ile) results in a non-conservative amino acid change in the encoded protein sequence. Four of five in-silico tools predict a benign effect of the variant on protein function. The variant was absent in 251476 control chromosomes. The available data on variant occurrences in the general population are insufficient to allow any conclusion about variant significance. To our knowledge, no occurrence of c.1082C>T in individuals affected with Hereditary Hemorrhagic Telangiectasia and no experimental evidence demonstrating its impact on protein function have been reported. No submitters have cited clinical-significance assessments for this variant to ClinVar. Based on the evidence outlined above, the variant was classified as uncertain significance.

NM_001114753.3(ENG):c.1082C>T (p.Thr361Ile)

Gene: ENG (endoglin; minus strand). Cytogenetic location: 9q34.11.
Variant type: single nucleotide variant.
Coding change: c.1082C>T on transcript NM_001114753.3 (MANE Select); coding-DNA position 1082, C replaced by T.
Protein change: p.Thr361Ile; replaces threonine 361 with isoleucine.
Molecular consequence: missense variant.
Genome position (GRCh38, 1-based): chr9:127,824,356, G>A on the plus strand (C>T on the coding strand, the complement: ENG is on the minus strand). VCF-style: chr9-127824356-G-A. GRCh37 (hg19) VCF-style: chr9-130586635-G-A.
Other names: c.1082C>T, p.Thr361Ile (NM_000118.4, NM_001406715.1); c.536C>T, p.Thr179Ile (NM_001278138.2); short protein forms T179I, T361I.
Identifiers: ClinVar variation 3339915 (VCV003339915.1).
Genomic context (GRCh38, chr9:127,824,356, plus strand): 5'-TCCCTTACCGCAACAAGCTCTTTCTTTAGTACCAGGGTCATGGCGTCGTCGGCACACTTT[G>A]TCTGGATCAAGGACATGAGCAGCTCCGGGCTACAAGTGTCCTTGGGAGGAGTGGTCTGGA-3'
Protein context (NP_001108225.1, residues 351-371): SPELLMSLIQ[Thr361Ile]KCADDAMTLV